The following is an entry in ClinVar:

NM_004544.4(NDUFA10):c.890+81T>C

Gene: NDUFA10 (NADH:ubiquinone oxidoreductase subunit A10; minus strand). Cytogenetic location: 2q37.3.
Variant type: single nucleotide variant.
Coding change: c.890+81T>C on transcript NM_004544.4 (MANE Select); 81 bases into the intron after coding-DNA position 890, T replaced by C.
Molecular consequence: intron variant.
Genome position (GRCh38, 1-based): chr2:240,005,129, A>G on the plus strand (T>C on the coding strand, the complement: NDUFA10 is on the minus strand). VCF-style: chr2-240005129-A-G. GRCh37 (hg19) VCF-style: chr2-240944546-A-G.
Other names: c.890+81T>C (NM_001322020.2, NM_001322019.2).
Identifiers: ClinVar variation 673704 (VCV000673704.2), dbSNP rs113435134, ClinGen allele CA68055249.

ClinVar aggregate classification (germline): Benign. Review status: criteria provided, multiple submitters, no conflicts (2 of 4 stars). 2 submissions from 2 submitters: Benign (2). Last evaluated 2018-06-14.

Allele frequency attached by ClinVar (database versions not stated): gnomAD 0.01803 and 0.01929; 1000 Genomes Project 0.01977; TOPMed 0.02026; 1000 Genomes Project 30x 0.02155.
gnomAD v4.1: 4,887 of 1,264,488 alleles (0.39%); highest among the groups gnomAD compares: African/African-American, 6.2%; 159 homozygotes.

Submissions (2):

GeneDx
Classification: Benign. Last evaluated: 2018-06-14. Review status: criteria provided, single submitter. Criteria: GeneDx Variant Classification (06012015). Collection method: clinical testing. Allele origin: germline. Affected: yes.
Comment: This variant is considered likely benign or benign based on one or more of the following criteria: it is a conservative change, it occurs at a poorly conserved position in the protein, it is predicted to be benign by multiple in silico algorithms, and/or has population frequency not consistent with disease.

Breakthrough Genomics
Classification: Benign. Review status: criteria provided, single submitter. Criteria: ACMG Guidelines, 2015. Collection method: not provided. Allele origin: germline. Inheritance: Autosomal recessive inheritance. Affected: yes.